The following is an entry in ClinVar:

ClinVar aggregate classification (germline): Uncertain significance. Review status: criteria provided, multiple submitters, no conflicts (2 of 4 stars). 5 submissions from 5 submitters: Uncertain significance (5). Last evaluated 2026-06-30.

Conditions:
INPP5E-related disorder. Also called: INPP5E-related condition.
Joubert syndrome 1 (JBTS1). Also called: Cerebellooculorenal syndrome 1; CEREBELLOPARENCHYMAL DISORDER IV. Identifiers: MedGen C4551568, MONDO:0008944, OMIM 213300.
Joubert syndrome. Also called: Familial aplasia of the vermis; JOUBERT-BOLTSHAUSER SYNDROME. Identifiers: Orphanet 475, MedGen C5979921, MONDO:0018772.
Inborn genetic diseases. Identifiers: MedGen C0950123, MeSH D030342.

Allele frequency attached by ClinVar (database versions not stated): gnomAD 0.00003 and 0.00004; TOPMed 0.00005; ExAC 0.00007; gnomAD exomes 0.00008.
gnomAD v4.1: 135 of 1,577,546 alleles (0.0086%); highest among the groups gnomAD compares: Admixed American, 0.026%; no homozygotes.

Submissions (5):

PreventionGenetics, part of Exact Sciences
Classification: Uncertain significance for INPP5E-related condition. Last evaluated: 2026-06-30. Review status: criteria provided, single submitter. Criteria: ACMG Guidelines, 2015. Collection method: clinical testing. Allele origin: germline.
Comment: The INPP5E c.510C>G variant is predicted to result in the amino acid substitution p.Asn170Lys. To our knowledge, this variant has not been reported in the literature. This variant is reported in 0.030% of alleles in individuals of Latino descent in gnomAD. At this time, the clinical significance of this variant is uncertain due to the absence of conclusive functional and genetic evidence.

Ambry Genetics
Classification: Uncertain significance for Inborn genetic diseases. Last evaluated: 2025-02-12. Review status: criteria provided, single submitter. Criteria: Ambry Variant Classification Scheme 2023. Collection method: clinical testing. Allele origin: germline.

Labcorp Genetics (formerly Invitae), Labcorp
Classification: Uncertain significance for Joubert syndrome. Last evaluated: 2024-11-11. Review status: criteria provided, single submitter. Criteria: Invitae Variant Classification Sherloc (09022015). Collection method: clinical testing. Allele origin: germline.
Comment: This sequence change replaces asparagine, which is neutral and polar, with lysine, which is basic and polar, at codon 170 of the INPP5E protein (p.Asn170Lys). This variant is present in population databases (rs778210239, gnomAD 0.02%). This variant has not been reported in the literature in individuals affected with INPP5E-related conditions. ClinVar contains an entry for this variant (Variation ID: 849343). Invitae Evidence Modeling of protein sequence and biophysical properties (such as structural, functional, and spatial information, amino acid conservation, physicochemical variation, residue mobility, and thermodynamic stability) has been performed for this missense variant. However, the output from this modeling did not meet the statistical confidence thresholds required to predict the impact of this variant on INPP5E protein function. In summary, the available evidence is currently insufficient to determine the role of this variant in disease. Therefore, it has been classified as a Variant of Uncertain Significance.

Blueprint Genetics
Classification: Uncertain significance. Last evaluated: 2024-08-14. Review status: criteria provided, single submitter. Criteria: ACMG Guidelines, 2015. Collection method: clinical testing. Allele origin: germline.

Baylor Genetics
Classification: Uncertain significance for Joubert syndrome 1. Last evaluated: 2018-05-15. Review status: criteria provided, single submitter. Criteria: ACMG Guidelines, 2015. Collection method: clinical testing. Allele origin: paternal. Affected: yes.
Comment: This variant was determined to be of uncertain significance according to ACMG Guidelines, 2015 [PMID:25741868].

NM_019892.6(INPP5E):c.510C>G (p.Asn170Lys)

Gene: INPP5E (inositol polyphosphate-5-phosphatase E; minus strand). Cytogenetic location: 9q34.3.
Variant type: single nucleotide variant.
Coding change: c.510C>G on transcript NM_019892.6 (MANE Select); coding-DNA position 510, C replaced by G.
Protein change: p.Asn170Lys; replaces asparagine 170 with lysine.
Molecular consequence: missense variant.
Genome position (GRCh38, 1-based): chr9:136,438,910, G>C on the plus strand (C>G on the coding strand, the complement: INPP5E is on the minus strand). VCF-style: chr9-136438910-G-C. GRCh37 (hg19) VCF-style: chr9-139333362-G-C.
Other names: c.510C>G (NM_019892.5); c.510C>G, p.Asn170Lys (NM_001318502.2); short protein forms N170K.
Identifiers: ClinVar variation 849343 (VCV000849343.12), dbSNP rs778210239, ClinGen allele CA5337148.